The following is an entry in ClinVar:

NM_001367721.1(CASK):c.985C>A (p.Pro329Thr)

Gene: CASK (calcium/calmodulin dependent serine protein kinase; minus strand). Cytogenetic location: Xp11.4.
Variant type: single nucleotide variant.
Coding change: c.985C>A on transcript NM_001367721.1 (MANE Select); coding-DNA position 985, C replaced by A.
Protein change: p.Pro329Thr; replaces proline 329 with threonine.
Molecular consequence: missense variant.
Genome position (GRCh38, 1-based): chrX:41,626,634, G>T on the plus strand (C>A on the coding strand, the complement: CASK is on the minus strand). VCF-style: chrX-41626634-G-T. GRCh37 (hg19) VCF-style: chrX-41485887-G-T.
Other names: c.985C>A, p.Pro329Thr (NM_001126054.3, NM_001126055.3, NM_001410745.1 and 1 more transcripts); short protein forms P329T.
Identifiers: ClinVar variation 810579 (VCV000810579.42), dbSNP rs771426240, ClinGen allele CA10390306.
Genomic context (GRCh38, chrX:41,626,634, plus strand): 5'-CACAGGTGAATAAGTGAATTATCCAATTACCTGAGGAGGTAGGGTCTTCGGAGAAATCTG[G>T]TAACTCTTCAGGGGGATCCCCATAGAATGAGTTGAATTTGTGACTTGACACAGCGGCTAG-3'
Protein context (NP_001354650.1, residues 319-339): SFYGDPPEEL[Pro329Thr]DFSEDPTSSG

ClinVar aggregate classification (germline): Uncertain significance (1 of 4 stars; one submission).

Submission:

CeGaT Center for Human Genetics Tuebingen
Classification: Uncertain significance. Last evaluated: 2022-07-01. Review status: criteria provided, single submitter. Criteria: CeGaT Center For Human Genetics Tuebingen Variant Classification Criteria Version 2. Collection method: clinical testing. Allele origin: germline. Affected: yes. Observed: 1 variant allele.
Comment: CASK: PP2